The following is an entry in ClinVar:

NM_000051.4(ATM):c.1408_1423del (p.Ser470fs)

Gene: ATM (ATM serine/threonine kinase; plus strand). Cytogenetic location: 11q22.3.
Variant type: Deletion.
Coding change: c.1408_1423del on transcript NM_000051.4 (MANE Select); coding-DNA positions 1408 to 1423, 16 bases deleted (TCAAACCTAGAAAGCT).
Protein change: p.Ser470fs; shifts the reading frame from serine 470.
Molecular consequence: frameshift variant.
Genome position (GRCh38, 1-based): chr11:108,250,873-108,250,888, TCAAACCTAGAAAGCT deleted. VCF-style (leftmost placement, unchanged base first): chr11-108250872-GTCAAACCTAGAAAGCT-G. GRCh37 (hg19) VCF-style: chr11-108121599-GTCAAACCTAGAAAGCT-G.
Other names: c.1408_1423del, p.Ser470fs (NM_001351834.2); short protein forms S470fs.
Identifiers: ClinVar variation 971454 (VCV000971454.1), dbSNP rs2080104347, ClinGen allele CA1139662152.

ClinVar aggregate classification (germline): Pathogenic (1 of 4 stars; one submission).

Conditions:
Ataxia-telangiectasia syndrome (AT). Also called: ATAXIA-TELANGIECTASIA, FRESNO VARIANT; Ataxia-telangiectasia, complementation group E; Ataxia telangiectasia (A-T); LOUIS-BAR SYNDROME; Ataxia-telangiectasia, complementation group D; AT, COMPLEMENTATION GROUP C. Identifiers: Orphanet 100, MedGen C0004135, MONDO:0008840, OMIM 208900.

Submission:

Labcorp Genetics (formerly Invitae), Labcorp
Classification: Pathogenic for Ataxia-telangiectasia syndrome. Last evaluated: 2019-10-30. Review status: criteria provided, single submitter. Criteria: Invitae Variant Classification Sherloc (09022015). Collection method: clinical testing. Allele origin: germline.
Comment: This sequence change creates a premature translational stop signal (p.Ser470Hisfs*7) in the ATM gene. It is expected to result in an absent or disrupted protein product. This variant is not present in population databases (ExAC no frequency). This variant has not been reported in the literature in individuals with ATM-related conditions. Loss-of-function variants in ATM are known to be pathogenic (PMID: 23807571, 25614872). For these reasons, this variant has been classified as Pathogenic.